The following is an entry in ClinVar:

NC_000019.9:g.(?_51869504)_(51869580_?)del

Gene: ETFB (electron transfer flavoprotein subunit beta; minus strand). Cytogenetic location: 19q13.41.
Variant type: Deletion.
Identifiers: ClinVar variation 3248430 (VCV003248430.1).

ClinVar aggregate classification (germline): Pathogenic (1 of 4 stars; one submission).

Conditions:
Multiple acyl-CoA dehydrogenase deficiency (MADD). Also called: ETHYLMALONIC-ADIPICACIDURIA; GA II; Glutaric aciduria, type 2; Glutaric acidemia type II; GA 2; Glutaric Acidemia type 2. Identifiers: Orphanet 26791, MedGen C0268596, MONDO:0009282, OMIM 231680.

Submission:

Labcorp Genetics (formerly Invitae), Labcorp
Classification: Pathogenic for Multiple acyl-CoA dehydrogenase deficiency. Last evaluated: 2023-07-27. Review status: criteria provided, single submitter. Criteria: Invitae Variant Classification Sherloc (09022015). Collection method: clinical testing. Allele origin: unknown.
Comment: This variant is a gross deletion of the genomic region encompassing exon(s) 1 of the ETFB gene, which includes the initiator codon. This deletion extends beyond the assayed region for this gene and therefore may encompass additional genes. It is expected to result in an absent or disrupted protein product. Loss-of-function variants in ETFB are known to be pathogenic (PMID: 16510302, 23785301). This variant has not been reported in the literature in individuals affected with ETFB-related conditions. For these reasons, this variant has been classified as Pathogenic.

Literature cited by the submitters: PubMed 16510302; PubMed 23785301.